The following is an entry in ClinVar:

NM_022124.6(CDH23):c.8322GAA[1] (p.Lys2775del)

Gene: CDH23 (cadherin related 23; plus strand). Cytogenetic location: 10q22.1.
Variant type: Microsatellite.
Coding change: c.8322GAA[1] on transcript NM_022124.6 (MANE Select); one copy of the 3-base unit GAA starting at c.8322; the reference has two copies in a row; one copy, 3 bases deleted; also written c.8325_8327del.
Protein change: p.Lys2775del; deletes lysine 2775.
Molecular consequence: inframe deletion.
Genome position (GRCh38, 1-based): chr10:71,807,532-71,807,534, GAA deleted; deleting any 3 consecutive bases within chr10:71,807,528-71,807,534 gives the same sequence; the position shown is the placement nearest the transcript's 3' end. VCF-style (leftmost placement, unchanged base first): chr10-71807527-GAGA-G. GRCh37 (hg19) VCF-style: chr10-73567284-GAGA-G.
Other names: c.8325_8327del (NM_022124.6); c.1602GAA[1], p.Lys535del (NM_001171933.1, NM_001171934.1); short protein forms K2775del, K535del.
Identifiers: ClinVar variation 228504 (VCV000228504.13), dbSNP rs876657758, ClinGen allele CA5546625.
Genomic context (GRCh38, chr10:71,807,527, plus strand): 5'-CCTGCTCCTGGCCCTGCCCCCTCACCCTGTGCCATGATCCCACCCTCAGCCGGCAACGAA[GAGA>G]AGAACTTCCATCTGCAGCCCGATGGGTGTCTGCTGGTGCTGCGGGACCTGGACCGGGAGC-3'

ClinVar aggregate classification (germline): Uncertain significance. Review status: criteria provided, multiple submitters, no conflicts (2 of 4 stars). 4 submissions from 4 submitters: Uncertain significance (3). 1 of the submissions does not count toward it. Last evaluated 2022-03-30.

Conditions:
Usher syndrome type 1 (USH1). Also called: RETINITIS PIGMENTOSA AND CONGENITAL DEAFNESS. Identifiers: Orphanet 231169, Orphanet 886, MedGen C1568247, MONDO:0010168, OMIM 276900.

Submissions (4):

Laboratory for Molecular Medicine, Mass General Brigham Personalized Medicine
Classification: Uncertain significance. Last evaluated: 2022-03-30. Review status: criteria provided, single submitter. Criteria: ACMG Guidelines, 2015. Collection method: clinical testing. Allele origin: germline.
Comment: The p.Lys2775del variant in CDH23 has not been previously reported in individuals with hearing loss but has been identified in 0.02% (4/2500) of Finnish chromosomes by gnomAD. However, this frequency is low enough to be consistent with a recessive allele frequency. This variant has also been reported in ClinVar (Variation ID 228504). This variant is a deletion of one amino acid at position 2775 and is not predicted to alter the protein reading-frame. It is unclear if this deletion will impact the protein. In summary, the clinical significance of this variant is uncertain. ACMG/AMP Criteria applied: PM4_Supporting.

Labcorp Genetics (formerly Invitae), Labcorp
Classification: Uncertain significance. Last evaluated: 2022-03-29. Review status: criteria provided, single submitter. Criteria: Invitae Variant Classification Sherloc (09022015). Collection method: clinical testing. Allele origin: germline.
Comment: This variant, c.8325_8327del, results in the deletion of 1 amino acid(s) of the CDH23 protein (p.Lys2775del), but otherwise preserves the integrity of the reading frame. This variant is present in population databases (rs757955991, gnomAD 0.02%). This variant has not been reported in the literature in individuals affected with CDH23-related conditions. ClinVar contains an entry for this variant (Variation ID: 228504). Experimental studies and prediction algorithms are not available or were not evaluated, and the functional significance of this variant is currently unknown. Algorithms developed to predict the effect of sequence changes on RNA splicing suggest that this variant may create or strengthen a splice site. In summary, the available evidence is currently insufficient to determine the role of this variant in disease. Therefore, it has been classified as a Variant of Uncertain Significance.

Blueprint Genetics
Classification: Uncertain significance. Last evaluated: 2021-08-02. Review status: criteria provided, single submitter. Criteria: ACMG Guidelines, 2015. Collection method: clinical testing. Allele origin: germline.

Natera, Inc.
Classification: Uncertain significance for Usher syndrome type 1. Last evaluated: 2019-10-28. Review status: no assertion criteria provided. Collection method: clinical testing. Allele origin: germline. Not counted in ClinVar's aggregate classification.